The following is an entry in ClinVar:

ClinVar aggregate classification (germline): Benign/Likely benign. Review status: criteria provided, multiple submitters, no conflicts (2 of 4 stars). 3 submissions from 3 submitters: Benign (1); Likely benign (2). Last evaluated 2025-12-22.

Conditions:
Cataract 33. Also called: CATARACT 33, CORTICAL. Identifiers: Orphanet 91492, MedGen C3808107, MONDO:0012665, OMIM 611391.

Allele frequency attached by ClinVar (database versions not stated): gnomAD exomes 0.00090 and 0.00158; ExAC 0.00744; ESP Exome Variant Server 0.00868; gnomAD 0.01003; TOPMed 0.01167; 1000 Genomes Project 0.01438; 1000 Genomes Project 30x 0.01593.
gnomAD v4.1: 2,839 of 1,469,042 alleles (0.19%); highest among the groups gnomAD compares: African/African-American, 3.7%; 53 homozygotes.

Submissions (3):

Labcorp Genetics (formerly Invitae), Labcorp
Classification: Benign for Cataract 33. Last evaluated: 2025-12-22. Review status: criteria provided, single submitter. Criteria: Invitae Variant Classification Sherloc (09022015). Collection method: clinical testing. Allele origin: germline.

GeneDx
Classification: Likely benign. Last evaluated: 2022-11-27. Review status: criteria provided, single submitter. Criteria: GeneDx Variant Classification Process June 2021. Collection method: clinical testing. Allele origin: germline. Affected: yes.
Comment: See Variant Classification Assertion Criteria.

Breakthrough Genomics
Classification: Likely benign. Review status: criteria provided, single submitter. Criteria: ACMG Guidelines, 2015. Collection method: not provided. Allele origin: germline. Inheritance: Autosomal recessive inheritance. Affected: yes.

NM_001195.5(BFSP1):c.46G>C (p.Glu16Gln)

Gene: BFSP1 (beaded filament structural protein 1; minus strand). Cytogenetic location: 20p12.1.
Variant type: single nucleotide variant.
Coding change: c.46G>C on transcript NM_001195.5 (MANE Select); coding-DNA position 46, G replaced by C.
Protein change: p.Glu16Gln; replaces glutamic acid 16 with glutamine.
Molecular consequence: missense variant. On other transcripts: intron variant (4).
Genome position (GRCh38, 1-based): chr20:17,531,284, C>G on the plus strand (G>C on the coding strand, the complement: BFSP1 is on the minus strand). VCF-style: chr20-17531284-C-G. GRCh37 (hg19) VCF-style: chr20-17511929-C-G.
Other names: c.-40-6376G>C (NM_001278608.2, NM_001278606.2); c.45-6376G>C (NM_001278607.2); c.3-6376G>C (NM_001161705.2); short protein forms E16Q.
Identifiers: ClinVar variation 702564 (VCV000702564.16), dbSNP rs200899362, ClinGen allele CA9772405.